The following is an entry in ClinVar:

ClinVar aggregate classification (germline): Likely pathogenic (1 of 4 stars; one submission).

Conditions:
Progressive muscular dystrophy. Identifiers: Orphanet 206644, MedGen C4551827, MONDO:0016106.

Submission:

Myriad Genetics, Inc.
Classification: Likely pathogenic for Progressive muscular dystrophy. Last evaluated: 2025-01-08. Review status: criteria provided, single submitter. Criteria: Myriad Autosomal Dominant, Autosomal Recessive and X-Linked Classification Criteria (2023). Collection method: clinical testing. Allele origin: unknown.
Comment: NM_004006.2(DMD):c.6291-1G>T is a variant in a canonical splice site classified as likely pathogenic in the context of dystrophinopathy (including Duchenne/Becker muscular dystrophy). c.6291-1G>T has been observed in a case with relevant disease (PMID: 19409785). Relevant functional assessments of this variant are not available in the literature. c.6291-1G>T has not been observed in referenced population frequency databases. In summary, NM_004006.2(DMD):c.6291-1G>T is a variant in a canonical splice site in a gene where loss of function is a known mechanism of disease, is predicted to disrupt protein function, and has been observed more frequently in cases with the relevant disease than in healthy populations. Please note: this variant was assessed in the context of healthy population screening.

Literature cited by the submitters: PubMed 19409785.

NM_004006.3(DMD):c.6291-1G>T

Gene: DMD (dystrophin; minus strand). Cytogenetic location: Xp21.1.
Variant type: single nucleotide variant.
Coding change: c.6291-1G>T on transcript NM_004006.3 (MANE Select); the canonical splice acceptor site of the intron before coding-DNA position 6291, G replaced by T.
Molecular consequence: splice acceptor variant.
Genome position (GRCh38, 1-based): chrX:32,217,064, C>A on the plus strand (G>T on the coding strand, the complement: DMD is on the minus strand). VCF-style: chrX-32217064-C-A. GRCh37 (hg19) VCF-style: chrX-32235181-C-A.
Other names: c.6267-1G>T (NM_000109.4); c.2268-1G>T (NM_004011.4); c.2259-1G>T (NM_004012.4); c.6279-1G>T (NM_004009.3); c.5922-1G>T (NM_004010.3).
Identifiers: ClinVar variation 4081626 (VCV004081626.1).